The following is an entry in ClinVar:

ClinVar aggregate classification (germline): Uncertain significance. Review status: criteria provided, multiple submitters, no conflicts (2 of 4 stars). 2 submissions from 2 submitters: Uncertain significance (2). Last evaluated 2022-11-10.

Conditions:
Dilated cardiomyopathy 1W (CMD1W). Identifiers: Orphanet 154, MedGen C1969639, MONDO:0012667, OMIM 611407.
Cardiovascular phenotype. Identifiers: MedGen CN230736.

Allele frequency attached by ClinVar (database versions not stated): gnomAD exomes below 0.00001.
gnomAD v4.1: 3 of 1,614,204 alleles (0.00019%); highest among the groups gnomAD compares: Non-Finnish European, 0.00017%; no homozygotes.

Submissions (2):

Ambry Genetics
Classification: Uncertain significance for Cardiovascular phenotype. Last evaluated: 2022-11-10. Review status: criteria provided, single submitter. Criteria: Ambry Variant Classification Scheme 2023. Collection method: clinical testing. Allele origin: germline.
Comment: The p.A937T variant (also known as c.2809G>A), located in coding exon 19 of the VCL gene, results from a G to A substitution at nucleotide position 2809. The alanine at codon 937 is replaced by threonine, an amino acid with similar properties. This amino acid position is conserved. In addition, this alteration is predicted to be tolerated by in silico analysis. Since supporting evidence is limited at this time, the clinical significance of this alteration remains unclear.

Labcorp Genetics (formerly Invitae), Labcorp
Classification: Uncertain significance for Dilated cardiomyopathy 1W. Last evaluated: 2019-02-07. Review status: criteria provided, single submitter. Criteria: Invitae Variant Classification Sherloc (09022015). Collection method: clinical testing. Allele origin: germline.
Comment: This sequence change replaces alanine with threonine at codon 937 of the VCL protein (p.Ala937Thr). The alanine residue is weakly conserved and there is a small physicochemical difference between alanine and threonine. In summary, the available evidence is currently insufficient to determine the role of this variant in disease. Therefore, it has been classified as a Variant of Uncertain Significance. Algorithms developed to predict the effect of missense changes on protein structure and function (SIFT, PolyPhen-2, Align-GVGD) all suggest that this variant is likely to be tolerated, but these predictions have not been confirmed by published functional studies and their clinical significance is uncertain. This variant has not been reported in the literature in individuals with VCL-related conditions. This variant is not present in population databases (ExAC no frequency).

NM_014000.3(VCL):c.2809G>A (p.Ala937Thr)

Gene: VCL (vinculin; plus strand). Cytogenetic location: 10q22.2.
Variant type: single nucleotide variant.
Coding change: c.2809G>A on transcript NM_014000.3 (MANE Select); coding-DNA position 2809, G replaced by A.
Protein change: p.Ala937Thr; replaces alanine 937 with threonine.
Molecular consequence: missense variant. On other transcripts: intron variant (1).
Genome position (GRCh38, 1-based): chr10:74,111,972, G>A. VCF-style: chr10-74111972-G-A. GRCh37 (hg19) VCF-style: chr10-75871730-G-A.
Other names: c.2746-2212G>A (NM_003373.4); short protein forms A937T.
Identifiers: ClinVar variation 858276 (VCV000858276.10), dbSNP rs1314540118, ClinGen allele CA377264645.